The following is an entry in ClinVar:

NM_152594.3(SPRED1):c.458A>G (p.Lys153Arg)

Gene: SPRED1 (sprouty related EVH1 domain containing 1; plus strand). Cytogenetic location: 15q14.
Variant type: single nucleotide variant.
Coding change: c.458A>G on transcript NM_152594.3 (MANE Select); coding-DNA position 458, A replaced by G.
Protein change: p.Lys153Arg; replaces lysine 153 with arginine.
Molecular consequence: missense variant.
Genome position (GRCh38, 1-based): chr15:38,339,771, A>G. VCF-style: chr15-38339771-A-G. GRCh37 (hg19) VCF-style: chr15-38631972-A-G.
Other names: short protein forms K153R.
Identifiers: ClinVar variation 4865031 (VCV004865031.1).

ClinVar aggregate classification (germline): Uncertain significance (1 of 4 stars; one submission).

Conditions:
Cardiovascular phenotype. Identifiers: MedGen CN230736.

Submission:

Ambry Genetics
Classification: Uncertain significance for Cardiovascular phenotype. Last evaluated: 2026-05-14. Review status: criteria provided, single submitter. Criteria: Ambry Variant Classification Scheme 2023. Collection method: clinical testing. Allele origin: germline.
Comment: The p.K153R variant (also known as c.458A>G), located in coding exon 5 of the SPRED1 gene, results from an A to G substitution at nucleotide position 458. The lysine at codon 153 is replaced by arginine, an amino acid with highly similar properties. This amino acid position is conserved. In addition, this alteration is predicted to be tolerated by in silico analysis. Based on the available evidence, the clinical significance of this variant remains unclear.